The following is an entry in ClinVar:

NM_182961.4(SYNE1):c.5980A>G (p.Ile1994Val)

Gene: SYNE1 (spectrin repeat containing nuclear envelope protein 1; minus strand). Cytogenetic location: 6q25.2.
Variant type: single nucleotide variant.
Coding change: c.5980A>G on transcript NM_182961.4 (MANE Select); coding-DNA position 5980, A replaced by G.
Protein change: p.Ile1994Val; replaces isoleucine 1994 with valine.
Molecular consequence: missense variant.
Genome position (GRCh38, 1-based): chr6:152,416,457, T>C on the plus strand (A>G on the coding strand, the complement: SYNE1 is on the minus strand). VCF-style: chr6-152416457-T-C. GRCh37 (hg19) VCF-style: chr6-152737592-T-C.
Other names: c.6001A>G, p.Ile2001Val (NM_033071.5); short protein forms I1994V, I2001V.
Identifiers: ClinVar variation 1030078 (VCV001030078.1), dbSNP rs2098156852, ClinGen allele CA366131521.

ClinVar aggregate classification (germline): Uncertain significance (1 of 4 stars; one submission).

Conditions:
Emery-Dreifuss muscular dystrophy 4, autosomal dominant (EDMD4). Also called: EMERY-DREIFUSS MUSCULAR DYSTROPHY 4 WITH VARIABLE FEATURES. Identifiers: Orphanet 261, MedGen C2751807, MONDO:0013071, OMIM 612998.

Submission:

Baylor Genetics
Classification: Uncertain significance for Emery-Dreifuss muscular dystrophy 4, autosomal dominant. Last evaluated: 2019-10-29. Review status: criteria provided, single submitter. Criteria: ACMG Guidelines, 2015. Collection method: clinical testing. Allele origin: unknown. Affected: yes.
Comment: This variant was determined to be of uncertain significance according to ACMG Guidelines, 2015 [PMID:25741868].